The following is an entry in ClinVar:

NM_004448.4(ERBB2):c.2424C>A (p.Asp808Glu)

Gene: ERBB2 (erb-b2 receptor tyrosine kinase 2; plus strand). Cytogenetic location: 17q12.
Variant type: single nucleotide variant.
Coding change: c.2424C>A on transcript NM_004448.4 (MANE Select); coding-DNA position 2424, C replaced by A.
Protein change: p.Asp808Glu; replaces aspartic acid 808 with glutamic acid.
Molecular consequence: missense variant. On other transcripts: non-coding transcript variant (1), intron variant (2).
Genome position (GRCh38, 1-based): chr17:39,724,842, C>A. VCF-style: chr17-39724842-C-A. GRCh37 (hg19) VCF-style: chr17-37881095-C-A.
Other names: c.2334C>A, p.Asp778Glu (NM_001005862.3, NM_001382782.1, NM_001382783.1); c.2379C>A, p.Asp793Glu (NM_001289936.2); c.2424C>A, p.Asp808Glu (NM_001289937.2, NM_001382796.1, NM_001382798.1); c.2541C>A, p.Asp847Glu (NM_001382784.1); c.2526C>A, p.Asp842Glu (NM_001382785.1); c.2505C>A, p.Asp835Glu (NM_001382786.1); c.2499C>A, p.Asp833Glu (NM_001382787.1); c.2454C>A, p.Asp818Glu (NM_001382788.1); and 13 more; short protein forms D462E, D775E, D778E, D792E, D805E, D833E, D847E, D722E.
Identifiers: ClinVar variation 1512541 (VCV001512541.8), dbSNP rs146603731, ClinGen allele CA8534295.
Genomic context (GRCh38, chr17:39,724,842, plus strand): 5'-CTGCCTGACATCCACGGTGCAGCTGGTGACACAGCTTATGCCCTATGGCTGCCTCTTAGA[C>A]CATGTCCGGGAAAACCGCGGACGCCTGGGCTCCCAGGACCTGCTGAACTGGTGTATGCAG-3'
Protein context (NP_004439.2, residues 798-818): TQLMPYGCLL[Asp808Glu]HVRENRGRLG

ClinVar aggregate classification (germline): Uncertain significance (1 of 4 stars; one submission).

Allele frequency attached by ClinVar (database versions not stated): gnomAD exomes 0.00005 and 0.00009; ExAC 0.00008; gnomAD 0.00010 and 0.00011; TOPMed 0.00011; ESP Exome Variant Server 0.00023.
gnomAD v4.1: 146 of 1,614,114 alleles (0.009%); highest among the groups gnomAD compares: Non-Finnish European, 0.012%; 1 homozygote.

Submission:

Labcorp Genetics (formerly Invitae), Labcorp
Classification: Uncertain significance. Last evaluated: 2025-09-12. Review status: criteria provided, single submitter. Criteria: Invitae Variant Classification Sherloc (09022015). Collection method: clinical testing. Allele origin: germline.
Comment: This sequence change replaces aspartic acid, which is acidic and polar, with glutamic acid, which is acidic and polar, at codon 808 of the ERBB2 protein (p.Asp808Glu). This variant is present in population databases (rs146603731, gnomAD 0.01%). This variant has not been reported in the literature in individuals affected with ERBB2-related conditions. ClinVar contains an entry for this variant (Variation ID: 1512541). Invitae Evidence Modeling of protein sequence and biophysical properties (such as structural, functional, and spatial information, amino acid conservation, physicochemical variation, residue mobility, and thermodynamic stability) indicates that this missense variant is not expected to disrupt ERBB2 protein function with a negative predictive value of 80%. In summary, the available evidence is currently insufficient to determine the role of this variant in disease. Therefore, it has been classified as a Variant of Uncertain Significance.